The following is an entry in ClinVar:

NM_001378454.1(ALMS1):c.2215A>T (p.Thr739Ser)

Gene: ALMS1 (ALMS1 centrosome and basal body associated protein; plus strand). Cytogenetic location: 2p13.1.
Variant type: single nucleotide variant.
Coding change: c.2215A>T on transcript NM_001378454.1 (MANE Select); coding-DNA position 2215, A replaced by T.
Protein change: p.Thr739Ser; replaces threonine 739 with serine.
Molecular consequence: missense variant.
Genome position (GRCh38, 1-based): chr2:73,448,742, A>T. VCF-style: chr2-73448742-A-T. GRCh37 (hg19) VCF-style: chr2-73675869-A-T.
Other names: c.2218A>T, p.Thr740Ser (NM_015120.4); short protein forms T739S, T740S.
Identifiers: ClinVar variation 1375142 (VCV001375142.6), dbSNP rs2103774232, ClinGen allele CA347267258.

ClinVar aggregate classification (germline): Uncertain significance (1 of 4 stars; one submission).

Conditions:
Alstrom syndrome (ALMS). Identifiers: Orphanet 64, MedGen C0268425, MONDO:0008763, OMIM 203800.

Submission:

Labcorp Genetics (formerly Invitae), Labcorp
Classification: Uncertain significance for Alstrom syndrome. Last evaluated: 2024-10-21. Review status: criteria provided, single submitter. Criteria: Invitae Variant Classification Sherloc (09022015). Collection method: clinical testing. Allele origin: germline.
Comment: This sequence change replaces threonine with serine at codon 740 of the ALMS1 protein (p.Thr740Ser). The threonine residue is weakly conserved and there is a small physicochemical difference between threonine and serine. This variant is not present in population databases (gnomAD no frequency). This variant has not been reported in the literature in individuals affected with ALMS1-related conditions. ClinVar contains an entry for this variant (Variation ID: 1375142). Experimental studies and prediction algorithms are not available or were not evaluated, and the functional significance of this variant is currently unknown. In summary, the available evidence is currently insufficient to determine the role of this variant in disease. Therefore, it has been classified as a Variant of Uncertain Significance.